The following is an entry in ClinVar:

NM_016151.4(TAOK2):c.1366C>T (p.Arg456Cys)

Gene: TAOK2 (TAO kinase 2; plus strand). Cytogenetic location: 16p11.2.
Variant type: single nucleotide variant.
Coding change: c.1366C>T on transcript NM_016151.4 (MANE Select); coding-DNA position 1366, C replaced by T.
Protein change: p.Arg456Cys; replaces arginine 456 with cysteine.
Molecular consequence: missense variant.
Genome position (GRCh38, 1-based): chr16:29,983,608, C>T. VCF-style: chr16-29983608-C-T. GRCh37 (hg19) VCF-style: chr16-29994929-C-T.
Other names: c.1366C>T, p.Arg456Cys (NM_001252043.2, NM_004783.4); short protein forms R456C.
Identifiers: ClinVar variation 1916712 (VCV001916712.5), dbSNP rs1237813627, ClinGen allele CA395481893.

ClinVar aggregate classification (germline): Uncertain significance (1 of 4 stars; one submission).

Allele frequency attached by ClinVar (database versions not stated): gnomAD exomes 0.00001.
gnomAD v4.1: 10 of 1,613,798 alleles (0.00062%); highest among the groups gnomAD compares: Middle Eastern, 0.033%; no homozygotes.

Submission:

Labcorp Genetics (formerly Invitae), Labcorp
Classification: Uncertain significance. Last evaluated: 2023-08-14. Review status: criteria provided, single submitter. Criteria: Invitae Variant Classification Sherloc (09022015). Collection method: clinical testing. Allele origin: germline.
Comment: This sequence change replaces arginine, which is basic and polar, with cysteine, which is neutral and slightly polar, at codon 456 of the TAOK2 protein (p.Arg456Cys). This variant is present in population databases (no rsID available, gnomAD 0.006%). This variant has not been reported in the literature in individuals affected with TAOK2-related conditions. ClinVar contains an entry for this variant (Variation ID: 1916712). An algorithm developed to predict the effect of missense changes on protein structure and function (PolyPhen-2) suggests that this variant is likely to be disruptive. In summary, the available evidence is currently insufficient to determine the role of this variant in disease. Therefore, it has been classified as a Variant of Uncertain Significance.